The following is an entry in ClinVar:

NM_001378454.1(ALMS1):c.6557C>T (p.Ser2186Phe)

Gene: ALMS1 (ALMS1 centrosome and basal body associated protein; plus strand). Cytogenetic location: 2p13.1.
Variant type: single nucleotide variant.
Coding change: c.6557C>T on transcript NM_001378454.1 (MANE Select); coding-DNA position 6557, C replaced by T.
Protein change: p.Ser2186Phe; replaces serine 2186 with phenylalanine.
Molecular consequence: missense variant.
Genome position (GRCh38, 1-based): chr2:73,453,084, C>T. VCF-style: chr2-73453084-C-T. GRCh37 (hg19) VCF-style: chr2-73680211-C-T.
Other names: c.6560C>T, p.Ser2187Phe (NM_015120.4); short protein forms S2186F, S2187F.
Identifiers: ClinVar variation 3345244 (VCV003345244.1).
Genomic context (GRCh38, chr2:73,453,084, plus strand): 5'-TAAAGATCTCAAGTGCTCTTGGGCAAGCTGATCAAATTACCGGATTACAAACAGTTCCCT[C>T]TGGTACTTACTCACATGGTGAGAATCACAAGCTTGTTTCAGAACATGTCCAAAGGCTAAT-3'
Protein context (NP_001365383.1, residues 2176-2196): DQITGLQTVP[Ser2186Phe]GTYSHGENHK

ClinVar aggregate classification (germline): Uncertain significance (0 of 4 stars; one submission).

Conditions:
ALMS1-related disorder. Also called: ALMS1-related condition.

Submission:

PreventionGenetics, part of Exact Sciences
Classification: Uncertain significance for ALMS1-related condition. Last evaluated: 2024-08-30. Review status: no assertion criteria provided. Collection method: clinical testing. Allele origin: germline.
Comment: The ALMS1 c.6560C>T variant is predicted to result in the amino acid substitution p.Thr2187Ile. To our knowledge, this variant has not been reported in the literature. This variant is reported in 0.064% of alleles in individuals of East Asian descent in gnomAD. Although we suspect that this variant may be benign, at this time, the clinical significance of this variant is uncertain due to the absence of conclusive functional and genetic evidence.